The following is an entry in ClinVar:

NM_000093.5(COL5A1):c.4176G>A (p.Arg1392=)

Gene: COL5A1 (collagen type V alpha 1 chain; plus strand). Cytogenetic location: 9q34.3.
Variant type: single nucleotide variant.
Coding change: c.4176G>A on transcript NM_000093.5 (MANE Select); coding-DNA position 4176, G replaced by A.
Protein change: p.Arg1392=; no amino-acid change (arginine 1392 retained).
Molecular consequence: synonymous variant.
Genome position (GRCh38, 1-based): chr9:134,817,079, G>A. VCF-style: chr9-134817079-G-A. GRCh37 (hg19) VCF-style: chr9-137708925-G-A.
Other names: c.4176G>A, p.Arg1392= (NM_001278074.1).
Identifiers: ClinVar variation 3902565 (VCV003902565.2).

ClinVar aggregate classification (germline): Uncertain significance. Review status: criteria provided, multiple submitters, no conflicts (2 of 4 stars). 2 submissions from 2 submitters: Uncertain significance (2). Last evaluated 2025-05-02.

Conditions:
Ehlers-Danlos syndrome, classic type, 1 (EDSCL1). Also called: EHLERS-DANLOS SYNDROME, GRAVIS TYPE; EHLERS-DANLOS SYNDROME, SEVERE CLASSIC TYPE; Ehlers-Danlos syndrome, type 1; Ehlers-Danlos Syndrome, Classic Type, COL5A1-Related; EDS I. Identifiers: MedGen C0268335, MONDO:0019567, OMIM 130000.

gnomAD v4.1: 2 of 1,613,328 alleles (0.00012%); highest among the groups gnomAD compares: Non-Finnish European, 0.000085%; no homozygotes.

Submissions (2):

Women's Health and Genetics/Laboratory Corporation of America, LabCorp
Classification: Uncertain significance. Last evaluated: 2025-05-02. Review status: criteria provided, single submitter. Criteria: LabCorp Variant Classification Summary - May 2015. Collection method: clinical testing. Allele origin: germline.
Comment: Variant summary: COL5A1 c.4176G>A (p.Arg1392Arg) alters a conserved nucleotide located close to a canonical splice site and therefore could affect mRNA splicing, leading to a significantly altered protein sequence. Several computational tools predict a significant impact on normal splicing: Two predict the variant abolishes the canonical 5' splicing donor site. Two predict the variant weakens the canonical 5' donor site. However, these predictions have yet to be confirmed by functional studies. The variant allele was found at a frequency of 4e-06 in 251348 control chromosomes. The available data on variant occurrences in the general population are insufficient to allow any conclusion about variant significance. To our knowledge, no occurrence of c.4176G>A in individuals affected with Ehlers-Danlos syndrome, classic type, Ehlers-Danlos syndrome, classic type, 1 and other COL5A1-related conditions, and no experimental evidence demonstrating its impact on protein function have been reported. No submitters have cited clinical-significance assessments for this variant to ClinVar. Based on the evidence outlined above, the variant was classified as uncertain significance.

Labcorp Genetics (formerly Invitae), Labcorp
Classification: Uncertain significance for Ehlers-Danlos syndrome, classic type, 1. Last evaluated: 2025-04-23. Review status: criteria provided, single submitter. Criteria: Invitae Variant Classification Sherloc (09022015). Collection method: clinical testing. Allele origin: germline.
Comment: This sequence change affects codon 1392 of the COL5A1 mRNA. It is a 'silent' change, meaning that it does not change the encoded amino acid sequence of the COL5A1 protein. This variant also falls at the last nucleotide of exon 53, which is part of the consensus splice site for this exon. This variant is present in population databases (no rsID available, gnomAD 0.0009%). This variant has not been reported in the literature in individuals affected with COL5A1-related conditions. Variants that disrupt the consensus splice site are a relatively common cause of aberrant splicing (PMID: 17576681, 9536098). Algorithms developed to predict the effect of sequence changes on RNA splicing suggest that this variant may disrupt the consensus splice site. In summary, the available evidence is currently insufficient to determine the role of this variant in disease. Therefore, it has been classified as a Variant of Uncertain Significance.

Literature cited by the submitters: PubMed 17576681 (cited by Labcorp Genetics (formerly Invitae), Labcorp); PubMed 9536098 (cited by Labcorp Genetics (formerly Invitae), Labcorp).